The following is an entry in ClinVar:

NM_000944.5(PPP3CA):c.460A>G (p.Arg154Gly)

Gene: PPP3CA (protein phosphatase 3 catalytic subunit alpha; minus strand). Cytogenetic location: 4q24.
Variant type: single nucleotide variant.
Coding change: c.460A>G on transcript NM_000944.5 (MANE Select); coding-DNA position 460, A replaced by G.
Protein change: p.Arg154Gly; replaces arginine 154 with glycine.
Molecular consequence: missense variant.
Genome position (GRCh38, 1-based): chr4:101,099,647, T>C on the plus strand (A>G on the coding strand, the complement: PPP3CA is on the minus strand). VCF-style: chr4-101099647-T-C. GRCh37 (hg19) VCF-style: chr4-102020804-T-C.
Other names: c.460A>G, p.Arg154Gly (NM_001130691.2, NM_001130692.2); short protein forms R154G.
Identifiers: ClinVar variation 3359565 (VCV003359565.1).
Genomic context (GRCh38, chr4:101,099,647, plus strand): 5'-GGAAGGAGGTTGAAGTATACTTACATTCTTGTTTAAATGTGAAATACTCTGTTAGATGTC[T>C]ACATTCATGATTTCCACGAAGTAAAAACAGTGTTTTGGGGTAGAGAATTTTCAAGGCCCA-3'
Protein context (NP_000935.1, residues 144-164): LFLLRGNHEC[Arg154Gly]HLTEYFTFKQ

ClinVar aggregate classification (germline): Uncertain significance (1 of 4 stars; one submission).

Submission:

GeneDx
Classification: Uncertain significance. Last evaluated: 2023-06-08. Review status: criteria provided, single submitter. Criteria: GeneDx Variant Classification Process June 2021. Collection method: clinical testing. Allele origin: germline. Affected: yes.
Comment: Not observed at significant frequency in large population cohorts (gnomAD); In silico analysis supports that this missense variant has a deleterious effect on protein structure/function; Has not been previously published as pathogenic or benign to our knowledge